The following is an entry in ClinVar:

ClinVar aggregate classification (germline): Uncertain significance (1 of 4 stars; one submission).

Conditions:
Hereditary cancer-predisposing syndrome. Also called: Neoplastic Syndromes, Hereditary; Tumor predisposition; Hereditary neoplastic syndrome; Hereditary Cancer Syndrome. Identifiers: Orphanet 140162, MedGen C0027672, MeSH D009386, MONDO:0015356.

Submission:

Ambry Genetics
Classification: Uncertain significance for Hereditary cancer-predisposing syndrome. Last evaluated: 2023-01-07. Review status: criteria provided, single submitter. Criteria: Ambry Variant Classification Scheme 2023. Collection method: clinical testing. Allele origin: germline.
Comment: The p.C895Y variant (also known as c.2684G>A), located in coding exon 13 of the BLM gene, results from a G to A substitution at nucleotide position 2684. The cysteine at codon 895 is replaced by tyrosine, an amino acid with highly dissimilar properties. This amino acid position is conserved. In addition, this alteration is predicted to be deleterious by in silico analysis. Since supporting evidence is limited at this time, the clinical significance of this alteration remains unclear.

NM_000057.4(BLM):c.2684G>A (p.Cys895Tyr)

Gene: BLM (BLM RecQ like helicase; plus strand). Cytogenetic location: 15q26.1.
Variant type: single nucleotide variant.
Coding change: c.2684G>A on transcript NM_000057.4 (MANE Select); coding-DNA position 2684, G replaced by A.
Protein change: p.Cys895Tyr; replaces cysteine 895 with tyrosine.
Molecular consequence: missense variant.
Genome position (GRCh38, 1-based): chr15:90,784,942, G>A. VCF-style: chr15-90784942-G-A. GRCh37 (hg19) VCF-style: chr15-91328172-G-A.
Other names: c.2684G>A, p.Cys895Tyr (NM_001287246.2, NM_001287247.2); c.1559G>A, p.Cys520Tyr (NM_001287248.2); short protein forms C520Y, C895Y.
Identifiers: ClinVar variation 2452549 (VCV002452549.2), dbSNP rs2505501325, ClinGen allele CA393845889.